The following is an entry in ClinVar:

ClinVar aggregate classification (germline): Likely benign. Review status: criteria provided, single submitter (1 of 4 stars). 2 submissions from 2 submitters: Likely benign (1). 1 of the submissions does not count toward it. Last evaluated 2024-06-03.

Conditions:
KRT1-related disorder. Also called: KRT1-related condition.

Allele frequency attached by ClinVar (database versions not stated): ExAC 0.00012.
gnomAD v4.1: 59 of 1,614,136 alleles (0.0037%); highest among the groups gnomAD compares: South Asian, 0.056%; no homozygotes.

Submissions (2):

Blueprint Genetics
Classification: Likely benign. Last evaluated: 2024-06-03. Review status: criteria provided, single submitter. Criteria: ACMG Guidelines, 2015. Collection method: clinical testing. Allele origin: germline.

PreventionGenetics, part of Exact Sciences
Classification: Likely benign for KRT1-related condition. Last evaluated: 2019-04-04. Review status: no assertion criteria provided. Collection method: clinical testing. Allele origin: germline. Not counted in ClinVar's aggregate classification.
Comment: This variant is classified as likely benign based on ACMG/AMP sequence variant interpretation guidelines (Richards et al. 2015 PMID: 25741868, with internal and published modifications).

NM_006121.4(KRT1):c.1443C>A (p.Thr481=)

Gene: KRT1 (keratin 1; minus strand). Cytogenetic location: 12q13.13.
Variant type: single nucleotide variant.
Coding change: c.1443C>A on transcript NM_006121.4 (MANE Select); coding-DNA position 1443, C replaced by A.
Protein change: p.Thr481=; no amino-acid change (threonine 481 retained).
Molecular consequence: synonymous variant.
Genome position (GRCh38, 1-based): chr12:52,676,307, G>T on the plus strand (C>A on the coding strand, the complement: KRT1 is on the minus strand). VCF-style: chr12-52676307-G-T. GRCh37 (hg19) VCF-style: chr12-53070091-G-T.
Identifiers: ClinVar variation 3046666 (VCV003046666.3), dbSNP rs749643681, ClinGen allele CA6586170.
Genomic context (GRCh38, chr12:52,676,307, plus strand): 5'-GGTTCGACTCCCAGCGTCCCTTCCTCACCTGCTTTCTTCTCCCTCCAGGAGGGTCCTGTA[G>T]GTGGCAATCTCCAGATCCAGGGCCAGCTTTGTGTTCATCAGCTCCTGGTAGTCGCGCAGC-3'
Protein context (NP_006112.3, residues 471-491): TKLALDLEIA[Thr481=]YRTLLEGEES